The following is an entry in ClinVar:

ClinVar aggregate classification (germline): Uncertain significance (1 of 4 stars; one submission).

Conditions:
Hypertrophic cardiomyopathy 10. Also called: CARDIOMYOPATHY, HYPERTROPHIC, MID-LEFT VENTRICULAR CHAMBER TYPE, 2; MYL2-Related Familial Hypertrophic Cardiomyopathy. Identifiers: MedGen C1834460, MONDO:0012112, OMIM 608758.

Submission:

Labcorp Genetics (formerly Invitae), Labcorp
Classification: Uncertain significance for Hypertrophic cardiomyopathy 10. Last evaluated: 2024-12-22. Review status: criteria provided, single submitter. Criteria: Invitae Variant Classification Sherloc (09022015). Collection method: clinical testing. Allele origin: germline.
Comment: This sequence change replaces isoleucine, which is neutral and non-polar, with threonine, which is neutral and polar, at codon 77 of the MYL2 protein (p.Ile77Thr). This variant is not present in population databases (gnomAD no frequency). This variant has not been reported in the literature in individuals affected with MYL2-related conditions. An algorithm developed to predict the effect of missense changes on protein structure and function (PolyPhen-2) suggests that this variant is likely to be disruptive. In summary, the available evidence is currently insufficient to determine the role of this variant in disease. Therefore, it has been classified as a Variant of Uncertain Significance.

NM_000432.4(MYL2):c.230T>C (p.Ile77Thr)

Gene: MYL2 (myosin light chain 2; minus strand). Cytogenetic location: 12q24.11.
Variant type: single nucleotide variant.
Coding change: c.230T>C on transcript NM_000432.4 (MANE Select); coding-DNA position 230, T replaced by C.
Protein change: p.Ile77Thr; replaces isoleucine 77 with threonine.
Molecular consequence: missense variant.
Genome position (GRCh38, 1-based): chr12:110,914,230, A>G on the plus strand (T>C on the coding strand, the complement: MYL2 is on the minus strand). VCF-style: chr12-110914230-A-G. GRCh37 (hg19) VCF-style: chr12-111352034-A-G.
Other names: c.188T>C, p.Ile63Thr (NM_001406745.1); c.173T>C, p.Ile58Thr (NM_001406916.1); short protein forms I63T, I77T, I58T.
Identifiers: ClinVar variation 3669783 (VCV003669783.2).